The following is an entry in ClinVar:

ClinVar aggregate classification (germline): Uncertain significance (1 of 4 stars; one submission).

Submission:

Women's Health and Genetics/Laboratory Corporation of America, LabCorp
Classification: Uncertain significance. Last evaluated: 2023-10-25. Review status: criteria provided, single submitter. Criteria: LabCorp Variant Classification Summary - May 2015. Collection method: clinical testing. Allele origin: germline.
Comment: Variant summary: SLC26A4 c.2091T>G (p.Asp697Glu) results in a conservative amino acid change in the encoded protein sequence. Two of four in-silico tools predict a benign effect of the variant on protein function. The variant is also close to the canonical acceptor site of Intron 18. Several computational tools predict a significant impact on normal splicing: Two predict the variant weakens the 3' canonical acceptor site. One predict the variant creates a 3' cryptic acceptor site. One predict the variant no significant impact on splicing. However, these predictions have yet to be confirmed by functional studies. The variant was absent in 251228 control chromosomes. The available data on variant occurrences in the general population are insufficient to allow any conclusion about variant significance. To our knowledge, no occurrence of c.2091T>G in individuals affected with Pendred Syndrome and no experimental evidence demonstrating its impact on protein function have been reported. No submitters have cited clinical-significance assessments for this variant to ClinVar after 2014. Based on the evidence outlined above, the variant was classified as uncertain significance.

NM_000441.2(SLC26A4):c.2091T>G (p.Asp697Glu)

Genes: SLC26A4 (solute carrier family 26 member 4; plus strand), LOC123956210 (Sharpr-MPRA regulatory region 3291; plus strand). Cytogenetic location: 7q22.3.
Variant type: single nucleotide variant.
Coding change: c.2091T>G on transcript NM_000441.2 (MANE Select); coding-DNA position 2091, T replaced by G.
Protein change: p.Asp697Glu; replaces aspartic acid 697 with glutamic acid.
Molecular consequence: missense variant.
Genome position (GRCh38, 1-based): chr7:107,710,055, T>G. VCF-style: chr7-107710055-T-G. GRCh37 (hg19) VCF-style: chr7-107350500-T-G.
Other names: short protein forms D697E.
Identifiers: ClinVar variation 2637453 (VCV002637453.1), dbSNP rs1394955123, ClinGen allele CA368845418.
Genomic context (GRCh38, chr7:107,710,055, plus strand): 5'-AAACAAACAAAAATTTCTTTTCCTAGGAACTAACAAAACATTGTGTCTTTCTTTTGAAGA[T>G]TATGTGATAGAAAAGCTGGAGCAATGCGGGTTCTTTGACGACAACATTAGAAAGGACACA-3'
Protein context (NP_000432.1, residues 687-707): DVNVYFASLQ[Asp697Glu]YVIEKLEQCG